The following is an entry in ClinVar:

NM_000426.4(LAMA2):c.4745T>C (p.Leu1582Pro)

Gene: LAMA2 (laminin subunit alpha 2; plus strand). Cytogenetic location: 6q22.33.
Variant type: single nucleotide variant.
Coding change: c.4745T>C on transcript NM_000426.4 (MANE Select); coding-DNA position 4745, T replaced by C.
Protein change: p.Leu1582Pro; replaces leucine 1582 with proline.
Molecular consequence: missense variant.
Genome position (GRCh38, 1-based): chr6:129,366,246, T>C. VCF-style: chr6-129366246-T-C. GRCh37 (hg19) VCF-style: chr6-129687391-T-C.
Other names: c.4745T>C, p.Leu1582Pro (NM_001079823.2); short protein forms L1582P.
Identifiers: ClinVar variation 1309606 (VCV001309606.7), dbSNP rs1349013414, ClinGen allele CA365622616.

ClinVar aggregate classification (germline): Uncertain significance. Review status: criteria provided, multiple submitters, no conflicts (2 of 4 stars). 2 submissions from 2 submitters: Uncertain significance (2). Last evaluated 2022-09-27.

Conditions:
LAMA2-related muscular dystrophy (LAMA2-RD). Also called: Laminin alpha 2-related dystrophy. Identifiers: MedGen C5679788, MONDO:0100228.

Allele frequency attached by ClinVar (database versions not stated): gnomAD exomes below 0.00001.
gnomAD v4.1: 2 of 1,614,028 alleles (0.00012%); highest among the groups gnomAD compares: Non-Finnish European, 0.00017%; no homozygotes.

Submissions (2):

Labcorp Genetics (formerly Invitae), Labcorp
Classification: Uncertain significance for LAMA2-related muscular dystrophy. Last evaluated: 2022-09-27. Review status: criteria provided, single submitter. Criteria: Invitae Variant Classification Sherloc (09022015). Collection method: clinical testing. Allele origin: germline.
Comment: This variant has not been reported in the literature in individuals affected with LAMA2-related conditions. This sequence change replaces leucine, which is neutral and non-polar, with proline, which is neutral and non-polar, at codon 1582 of the LAMA2 protein (p.Leu1582Pro). This variant is present in population databases (no rsID available, gnomAD 0.0009%). ClinVar contains an entry for this variant (Variation ID: 1309606). Advanced modeling of protein sequence and biophysical properties (such as structural, functional, and spatial information, amino acid conservation, physicochemical variation, residue mobility, and thermodynamic stability) performed at Invitae indicates that this missense variant is not expected to disrupt LAMA2 protein function. In summary, the available evidence is currently insufficient to determine the role of this variant in disease. Therefore, it has been classified as a Variant of Uncertain Significance.

GeneDx
Classification: Uncertain significance. Last evaluated: 2019-09-04. Review status: criteria provided, single submitter. Criteria: GeneDx Variant Classification Process June 2021. Collection method: clinical testing. Allele origin: germline. Affected: yes.
Comment: Not observed at a significant frequency in large population cohorts (Lek et al., 2016); In silico analysis, which includes protein predictors and evolutionary conservation, supports a deleterious effect; Has not been previously published as pathogenic or benign to our knowledge